The following is an entry in ClinVar:

ClinVar aggregate classification (germline): Likely pathogenic (1 of 4 stars; one submission).

Submission:

Laboratorio de Genetica e Diagnostico Molecular, Hospital Israelita Albert Einstein
Classification: Likely pathogenic. Last evaluated: 2022-04-09. Review status: criteria provided, single submitter. Criteria: ACMG Guidelines, 2015. Collection method: clinical testing. Allele origin: germline. Affected: yes.
Comment: ACMG classification criteria: PVS1, PM2

NM_001354930.2(RIPK1):c.1458_1459del (p.Arg487fs)

Gene: RIPK1 (receptor interacting serine/threonine kinase 1; plus strand). Cytogenetic location: 6p25.2.
Variant type: Deletion.
Coding change: c.1458_1459del on transcript NM_001354930.2 (MANE Select); coding-DNA positions 1458 to 1459, 2 bases deleted (CA; older notation c.1458_1459delCA).
Protein change: p.Arg487fs; shifts the reading frame from arginine 487.
Molecular consequence: frameshift variant.
Genome position (GRCh38, 1-based): chr6:3,105,933-3,105,934, CA deleted. VCF-style (leftmost placement, unchanged base first): chr6-3105932-CCA-C. GRCh37 (hg19) VCF-style: chr6-3106166-CCA-C.
Other names: c.969_970del, p.Arg324fs (NM_001317061.3, NM_001354932.2, NM_001354933.2 and 1 more transcripts); c.1320_1321del, p.Arg441fs (NM_001354931.2); c.1458_1459del, p.Arg487fs (NM_003804.6); short protein forms R324fs, R441fs, R487fs.
Identifiers: ClinVar variation 1690605 (VCV001690605.2), dbSNP rs2113695996, ClinGen allele CA2573140139.
Genomic context (GRCh38, chr6:3,105,932, plus strand): 5'-ATGGATTATATAGCTCACATGGCTTTGGAACAAGACCACTGGATCCAGGAACAGCAGGTC[CCA>C]GAGTTTGGTACAGGCCAATTCCAAGTCATATGCCTAGTCTGCATAATATCCCAGTGCCTG-3'